The following is an entry in ClinVar:

ClinVar aggregate classification (germline): Uncertain significance (1 of 4 stars; one submission).

Conditions:
Hereditary cancer-predisposing syndrome. Also called: Neoplastic Syndromes, Hereditary; Tumor predisposition; Hereditary Cancer Syndrome; Hereditary neoplastic syndrome. Identifiers: Orphanet 140162, MedGen C0027672, MeSH D009386, MONDO:0015356.

Submission:

Ambry Genetics
Classification: Uncertain significance for Hereditary cancer-predisposing syndrome. Last evaluated: 2015-10-28. Review status: criteria provided, single submitter. Criteria: Ambry Variant Classification Scheme 2023. Collection method: clinical testing. Allele origin: germline.
Comment: The p.S1234N variant (also known as c.3701G>A), located in coding exon 15 of the APC gene, results from a G to A substitution at nucleotide position 3701. The serine at codon 1234 is replaced by asparagine, an amino acid with highly similar properties. This variant was not reported in population based cohorts in the following databases: Database of Single Nucleotide Polymorphisms (dbSNP), NHLBI Exome Sequencing Project (ESP), and 1000 Genomes Project. In the ESP, this variant was not observed in 6502 samples (13004 alleles) with coverage at this position. To date, this alteration has been detected with an allele frequency of approximately 0.001% (greater than 70000 alleles tested) in our clinical cohort. This amino acid position is not well conserved in available vertebrate species. In addition, in silico predictors for this gene do not accurately predict pathogenicity. Since supporting evidence is limited at this time, the clinical significance of p.S1234N remains unclear.

NM_000038.6(APC):c.3701G>A (p.Ser1234Asn)

Gene: APC (APC regulator of Wnt signaling pathway; plus strand). Cytogenetic location: 5q22.2.
Variant type: single nucleotide variant.
Coding change: c.3701G>A on transcript NM_000038.6 (MANE Select); coding-DNA position 3701, G replaced by A.
Protein change: p.Ser1234Asn; replaces serine 1234 with asparagine.
Molecular consequence: missense variant.
Genome position (GRCh38, 1-based): chr5:112,839,295, G>A. VCF-style: chr5-112839295-G-A. GRCh37 (hg19) VCF-style: chr5-112174992-G-A.
Other names: c.3701G>A, p.Ser1234Asn (NM_001127510.3, NM_001354895.2, NM_001407450.1); c.3647G>A, p.Ser1216Asn (NM_001127511.3); c.3755G>A, p.Ser1252Asn (NM_001354896.2, NM_001407447.1, NM_001407448.1 and 1 more transcripts); c.3731G>A, p.Ser1244Asn (NM_001354897.2); c.3680G>A, p.Ser1227Asn (NM_001407451.1); c.3671G>A, p.Ser1224Asn (NM_001407452.1); c.3524G>A, p.Ser1175Asn (NM_001407453.1, NM_001354901.2); c.3452G>A, p.Ser1151Asn (NM_001407454.1, NM_001407455.1, NM_001407456.1 and 1 more transcripts); and 11 more; short protein forms S1108N, S1143N, S1193N, S1209N, S1224N, S951N, S1105N, S1133N.
Identifiers: ClinVar variation 1734108 (VCV001734108.2), dbSNP rs751533193, ClinGen allele CA16029453.
Genomic context (GRCh38, chr5:112,839,295, plus strand): 5'-GCAGTGAGAATACGTCCACACCTTCATCTAATGCCAAGAGGCAGAATCAGCTCCATCCAA[G>A]TTCTGCACAGAGTAGAAGTGGTCAGCCTCAAAAGGCTGCCACTTGCAAAGTTTCTTCTAT-3'
Protein context (NP_000029.2, residues 1224-1244): NAKRQNQLHP[Ser1234Asn]SAQSRSGQPQ